The following is an entry in ClinVar:

NM_152703.5(SAMD9L):c.3200T>C (p.Ile1067Thr)

Gene: SAMD9L (sterile alpha motif domain containing 9 like; minus strand). Cytogenetic location: 7q21.2.
Variant type: single nucleotide variant.
Coding change: c.3200T>C on transcript NM_152703.5 (MANE Select); coding-DNA position 3200, T replaced by C.
Protein change: p.Ile1067Thr; replaces isoleucine 1067 with threonine.
Molecular consequence: missense variant.
Genome position (GRCh38, 1-based): chr7:93,132,772, A>G on the plus strand (T>C on the coding strand, the complement: SAMD9L is on the minus strand). VCF-style: chr7-93132772-A-G. GRCh37 (hg19) VCF-style: chr7-92762085-A-G.
Other names: c.3200T>C, p.Ile1067Thr (NM_001303496.3, NM_001303497.3, NM_001303498.3 and 5 more transcripts); c.3200T>C (NM_152703.2); short protein forms I1067T.
Identifiers: ClinVar variation 1804181 (VCV001804181.7), dbSNP rs559401405, ClinGen allele CA4343490.
Genomic context (GRCh38, chr7:93,132,772, plus strand): 5'-GCTTGACAAATGAATGCATTTTGTGGGAATCGTCTACTTCCTGCACTCAAGACCTTTTCA[A>G]TGTCTTTATTCTGTAAAGCTTCCATTAATGGGGAAAACAGAGTGTCTGTTTCATCTCCAT-3'
Protein context (NP_689916.2, residues 1057-1077): PLMEALQNKD[Ile1067Thr]EKVLSAGSRR

ClinVar aggregate classification (germline): Uncertain significance. Review status: criteria provided, multiple submitters, no conflicts (2 of 4 stars). 3 submissions from 3 submitters: Uncertain significance (3). Last evaluated 2026-01-06.

Conditions:
Inborn genetic diseases. Identifiers: MedGen C0950123, MeSH D030342.

Allele frequency attached by ClinVar (database versions not stated): gnomAD exomes 0.00001; ExAC 0.00003; gnomAD 0.00003; TOPMed 0.00003; 1000 Genomes Project 30x 0.00016; 1000 Genomes Project 0.00020.
gnomAD v4.1: 14 of 1,613,660 alleles (0.00087%); highest among the groups gnomAD compares: African/African-American, 0.011%; no homozygotes.

Submissions (3):

Labcorp Genetics (formerly Invitae), Labcorp
Classification: Uncertain significance. Last evaluated: 2026-01-06. Review status: criteria provided, single submitter. Criteria: Invitae Variant Classification Sherloc (09022015). Collection method: clinical testing. Allele origin: germline.
Comment: This sequence change replaces isoleucine, which is neutral and non-polar, with threonine, which is neutral and polar, at codon 1067 of the SAMD9L protein (p.Ile1067Thr). This variant is present in population databases (rs559401405, gnomAD 0.02%). This variant has not been reported in the literature in individuals affected with SAMD9L-related conditions. ClinVar contains an entry for this variant (Variation ID: 1804181). Invitae Evidence Modeling of protein sequence and biophysical properties (such as structural, functional, and spatial information, amino acid conservation, physicochemical variation, residue mobility, and thermodynamic stability) indicates that this missense variant is not expected to disrupt SAMD9L protein function with a negative predictive value of 80%. In summary, the available evidence is currently insufficient to determine the role of this variant in disease. Therefore, it has been classified as a Variant of Uncertain Significance.

Ambry Genetics
Classification: Uncertain significance for Inborn genetic diseases. Last evaluated: 2025-02-26. Review status: criteria provided, single submitter. Criteria: Ambry Variant Classification Scheme 2023. Collection method: clinical testing. Allele origin: germline.
Comment: The p.I1067T variant (also known as c.3200T>C), located in coding exon 1 of the SAMD9L gene, results from a T to C substitution at nucleotide position 3200. The isoleucine at codon 1067 is replaced by threonine, an amino acid with similar properties. This amino acid position is conserved. In addition, this alteration is predicted to be tolerated by in silico analysis. Based on the available evidence, the clinical significance of this variant remains unclear.

GeneDx
Classification: Uncertain significance. Last evaluated: 2022-12-12. Review status: criteria provided, single submitter. Criteria: GeneDx Variant Classification Process June 2021. Collection method: clinical testing. Allele origin: germline. Affected: yes.
Comment: Not observed at significant frequency in large population cohorts (gnomAD); In silico analysis supports that this missense variant does not alter protein structure/function; Has not been previously published as pathogenic or benign to our knowledge; This variant is associated with the following publications: (PMID: 28545555)